The following is an entry in ClinVar:

ClinVar aggregate classification (germline): Uncertain significance (1 of 4 stars; one submission).

Conditions:
Ehlers-Danlos syndrome due to tenascin-X deficiency (EDSCLL1). Also called: EHLERS-DANLOS SYNDROME, CLASSIC-LIKE; Ehlers-Danlos syndrome, classic-like, 1; TNX DEFICIENCY; TNXB-Related Classical-Like Ehlers-Danlos Syndrome; EDS DUE TO TNX DEFICIENCY. Identifiers: Orphanet 230839, MedGen C1848029, MONDO:0011670, OMIM 606408.

gnomAD v4.1: 6 of 1,613,794 alleles (0.00037%); highest among the groups gnomAD compares: South Asian, 0.0044%; no homozygotes.

Submission:

MGZ Medical Genetics Center
Classification: Uncertain significance for Ehlers-Danlos syndrome due to tenascin-X deficiency. Last evaluated: 2022-02-21. Review status: criteria provided, single submitter. Criteria: ACMG Guidelines, 2015. Collection method: clinical testing. Allele origin: germline. Affected: yes. Observed: 1 variant allele.
Comment: ACMG criteria applied: PM2_SUP, BP4

NM_001365276.2(TNXB):c.4168C>G (p.Leu1390Val)

Gene: TNXB (tenascin XB; minus strand). Cytogenetic location: 6p21.33.
Variant type: single nucleotide variant.
Coding change: c.4168C>G on transcript NM_001365276.2 (MANE Select); coding-DNA position 4168, C replaced by G.
Protein change: p.Leu1390Val; replaces leucine 1390 with valine.
Molecular consequence: missense variant.
Genome position (GRCh38, 1-based): chr6:32,079,240, G>C on the plus strand (C>G on the coding strand, the complement: TNXB is on the minus strand). VCF-style: chr6-32079240-G-C. GRCh37 (hg19) VCF-style: chr6-32047017-G-C.
Other names: c.4168C>G, p.Leu1390Val (NM_019105.8); short protein forms L1390V.
Identifiers: ClinVar variation 1709217 (VCV001709217.2), dbSNP rs781521699, ClinGen allele CA363428958.